The following is an entry in ClinVar:

ClinVar aggregate classification (germline): Likely benign. Review status: criteria provided, multiple submitters, no conflicts (2 of 4 stars). 2 submissions from 2 submitters: Likely benign (2). Last evaluated 2023-08-01.

Allele frequency attached by ClinVar (database versions not stated): gnomAD exomes 0.00001; TOPMed 0.00001; gnomAD 0.00002.

Submissions (2):

CeGaT Center for Human Genetics Tuebingen
Classification: Likely benign. Last evaluated: 2023-08-01. Review status: criteria provided, single submitter. Criteria: CeGaT Center For Human Genetics Tuebingen Variant Classification Criteria Version 2. Collection method: clinical testing. Allele origin: germline. Affected: yes. Observed: 1 variant allele.
Comment: CCDC22: BP4

Blueprint Genetics
Classification: Likely benign. Last evaluated: 2022-09-15. Review status: criteria provided, single submitter. Criteria: ACMG Guidelines, 2015. Collection method: clinical testing. Allele origin: germline.

NM_014008.5(CCDC22):c.473C>T (p.Ser158Leu)

Gene: CCDC22 (CCC complex scaffolding subunit CCDC22; plus strand). Cytogenetic location: Xp11.23.
Variant type: single nucleotide variant.
Coding change: c.473C>T on transcript NM_014008.5 (MANE Select); coding-DNA position 473, C replaced by T.
Protein change: p.Ser158Leu; replaces serine 158 with leucine.
Molecular consequence: missense variant.
Genome position (GRCh38, 1-based): chrX:49,243,122, C>T. VCF-style: chrX-49243122-C-T. GRCh37 (hg19) VCF-style: chrX-49099588-C-T.
Other names: short protein forms S158L.
Identifiers: ClinVar variation 2660524 (VCV002660524.25), dbSNP rs1364634079, ClinGen allele CA412934475.